The following is an entry in ClinVar:

NM_033380.3(COL4A5):c.4408A>G (p.Ile1470Val)

Gene: COL4A5 (collagen type IV alpha 5 chain; plus strand). Cytogenetic location: Xq22.3.
Variant type: single nucleotide variant.
Coding change: c.4408A>G on transcript NM_033380.3 (MANE Select); coding-DNA position 4408, A replaced by G.
Protein change: p.Ile1470Val; replaces isoleucine 1470 with valine.
Molecular consequence: missense variant.
Genome position (GRCh38, 1-based): chrX:108,687,574, A>G. VCF-style: chrX-108687574-A-G. GRCh37 (hg19) VCF-style: chrX-107930804-A-G.
Other names: c.4390A>G, p.Ile1464Val (NM_000495.5); short protein forms I1464V, I1470V.
Identifiers: ClinVar variation 4796723 (VCV004796723.1).
Genomic context (GRCh38, chrX:108,687,574, plus strand): 5'-GATGGATTGCAAGGTCCCCCAGGTCCCCCTGGAACCTCCTCTGTTGCACATGGATTTCTT[A>G]TTACACGCCACAGCCAGACAACGGATGCACCACAATGCCCACAGGGAACACTTCAGGTCT-3'
Protein context (NP_203699.1, residues 1460-1480): GTSSVAHGFL[Ile1470Val]TRHSQTTDAP

ClinVar aggregate classification (germline): Uncertain significance (1 of 4 stars; one submission).

Conditions:
X-linked Alport syndrome (ATS1). Also called: COL4A5-Related Nephropathy; NEPHROPATHY AND DEAFNESS, X-LINKED. Identifiers: Orphanet 63, Orphanet 88917, MedGen C4746986, MONDO:0010520, OMIM 301050.

Submission:

Department of Nephrology, Rheumatology and Immunology, Shanghai Children's Hospital
Classification: Uncertain significance for X-linked Alport syndrome. Last evaluated: 2022-04-20. Review status: criteria provided, single submitter. Criteria: ACMG Guidelines, 2015. Collection method: clinical testing. Allele origin: maternal. Affected: yes. Observed: 1 variant allele.
Comment: The NM_033380.3(COL4A5):c.4408A>G (p.Ile1470Val) is a missense variant in COL4A5. This variant is reported to have an extremely low frequency in the gnomAD v3.1.2 (GRCh38) population database (PM2). Computational tools (SIFT and PolyPhen) provide conflicting predictions regarding the impact of this variant on protein function; therefore, PP3 was not applied. In summary, this variant meets criteria to be classified as Uncertain Significance for Alport syndrome based on the ACMG/AMP 2015 criteria applied: PM2, PP4.